The following is an entry in ClinVar:

ClinVar aggregate classification (germline): Pathogenic. Review status: criteria provided, multiple submitters, no conflicts (2 of 4 stars). 2 submissions from 2 submitters: Pathogenic (2). Last evaluated 2025-06-15.

Conditions:
CEP290-related ciliopathy. Also called: CEP290 ciliopathy. Identifiers: MedGen CN305601, MONDO:0100451.
Meckel-Gruber syndrome. Also called: Dysencephalia splachnocystica; DYSENCEPHALIA SPLANCHNOCYSTICA; GRUBER SYNDROME. Identifiers: Orphanet 564, MedGen C0265215, MONDO:0018921.
Nephronophthisis. Also called: Juvenile Nephronophthisis. Identifiers: Orphanet 655, MedGen C0687120, MONDO:0019005, HP:0000090.
Joubert syndrome. Also called: JOUBERT-BOLTSHAUSER SYNDROME; Familial aplasia of the vermis. Identifiers: Orphanet 475, MedGen C5979921, MONDO:0018772.

Submissions (2):

Myriad Genetics, Inc.
Classification: Pathogenic for CEP290-related ciliopathy. Last evaluated: 2025-06-15. Review status: criteria provided, single submitter. Criteria: Myriad Autosomal Dominant, Autosomal Recessive and X-Linked Classification Criteria (2023). Collection method: clinical testing. Allele origin: unknown.
Comment: NM_025114.3(CEP290):c.1338delG(R447Gfs*2) is expected to be pathogenic in the context of CEP290-related disorders. This variant is predicted to lead to an abnormal or absent protein product due to the creation of a premature termination codon in CEP290, a gene where loss-of-function variants are known to be pathogenic. Please note: this variant was assessed in the context of healthy population screening.

Labcorp Genetics (formerly Invitae), Labcorp
Classification: Pathogenic for Joubert syndrome; Meckel-Gruber syndrome; Nephronophthisis. Last evaluated: 2019-05-02. Review status: criteria provided, single submitter. Criteria: Invitae Variant Classification Sherloc (09022015). Collection method: clinical testing. Allele origin: germline.
Comment: This sequence change creates a premature translational stop signal (p.Arg447Glyfs*2) in the CEP290 gene. It is expected to result in an absent or disrupted protein product. This variant is not present in population databases (ExAC no frequency). This variant has not been reported in the literature in individuals with CEP290-related conditions. Loss-of-function variants in CEP290 are known to be pathogenic (PMID: 16909394, 17345604, 20690115). For these reasons, this variant has been classified as Pathogenic.

Literature cited by the submitters: PubMed 16909394 (cited by Labcorp Genetics (formerly Invitae), Labcorp); PubMed 17345604 (cited by Labcorp Genetics (formerly Invitae), Labcorp); PubMed 20690115 (cited by Labcorp Genetics (formerly Invitae), Labcorp).

NM_025114.4(CEP290):c.1338del (p.Arg447fs)

Gene: CEP290 (centrosomal protein 290; minus strand). Cytogenetic location: 12q21.32.
Variant type: Deletion.
Coding change: c.1338del on transcript NM_025114.4 (MANE Select); coding-DNA position 1338, one base deleted (G; older notation c.1338delG).
Protein change: p.Arg447fs; shifts the reading frame from arginine 447.
Molecular consequence: frameshift variant.
Genome position (GRCh38, 1-based): chr12:88,121,018, C deleted on the plus strand (G on the coding strand, the reverse complement: CEP290 is on the minus strand). VCF-style (leftmost placement, unchanged base first): chr12-88121017-TC-T. GRCh37 (hg19) VCF-style: chr12-88514794-TC-T.
Other names: short protein forms R447fs.
Identifiers: ClinVar variation 945769 (VCV000945769.5), dbSNP rs2039364798, ClinGen allele CA1139662808.